The following is an entry in ClinVar:

ClinVar aggregate classification (germline): Uncertain significance (1 of 4 stars; one submission).

Conditions:
Dyskeratosis congenita. Identifiers: Orphanet 1775, MedGen C0265965, MONDO:0015780.

Allele frequency attached by ClinVar (database versions not stated): gnomAD exomes 0.00001.
gnomAD v4.1: 11 of 1,610,586 alleles (0.00068%); highest among the groups gnomAD compares: Middle Eastern, 0.033%; no homozygotes.

Submission:

Labcorp Genetics (formerly Invitae), Labcorp
Classification: Uncertain significance for Dyskeratosis congenita. Last evaluated: 2025-11-17. Review status: criteria provided, single submitter. Criteria: Invitae Variant Classification Sherloc (09022015). Collection method: clinical testing. Allele origin: germline.
Comment: This sequence change replaces arginine, which is basic and polar, with tryptophan, which is neutral and slightly polar, at codon 276 of the CTC1 protein (p.Arg276Trp). This variant is not present in population databases (gnomAD no frequency). This variant has not been reported in the literature in individuals affected with CTC1-related conditions. ClinVar contains an entry for this variant (Variation ID: 1424791). Invitae Evidence Modeling of protein sequence and biophysical properties (such as structural, functional, and spatial information, amino acid conservation, physicochemical variation, residue mobility, and thermodynamic stability) indicates that this missense variant is not expected to disrupt CTC1 protein function with a negative predictive value of 80%. In summary, the available evidence is currently insufficient to determine the role of this variant in disease. Therefore, it has been classified as a Variant of Uncertain Significance.

NM_025099.6(CTC1):c.826C>T (p.Arg276Trp)

Gene: CTC1 (CST telomere replication complex component 1; minus strand). Cytogenetic location: 17p13.1.
Variant type: single nucleotide variant.
Coding change: c.826C>T on transcript NM_025099.6 (MANE Select); coding-DNA position 826, C replaced by T.
Protein change: p.Arg276Trp; replaces arginine 276 with tryptophan.
Molecular consequence: missense variant. On other transcripts: non-coding transcript variant (1).
Genome position (GRCh38, 1-based): chr17:8,236,309, G>A on the plus strand (C>T on the coding strand, the complement: CTC1 is on the minus strand). VCF-style: chr17-8236309-G-A. GRCh37 (hg19) VCF-style: chr17-8139627-G-A.
Other names: short protein forms R276W.
Identifiers: ClinVar variation 1424791 (VCV001424791.5), dbSNP rs267605102, ClinGen allele CA287537718.
Genomic context (GRCh38, chr17:8,236,309, plus strand): 5'-GGCGCTGACCACGGATCTTGGACACTCGCAGTTCTGTCAGCACATAGGCTGTACCAGGCC[G>A]AAGGGCTCTGTGCCACACCAGCTGGGCAGGGACCTGGCTTGTGCAGAGACAGGCAATGTG-3'
Protein context (NP_079375.3, residues 266-286): PAQLVWHRAL[Arg276Trp]PGTAYVLTEL